The following is an entry in ClinVar:

ClinVar aggregate classification (germline): Pathogenic (1 of 4 stars; one submission).

Conditions:
Neurofibromatosis, type 1 (NF1). Also called: Neurofibromatosis, type I; VON RECKLINGHAUSEN DISEASE; NEUROFIBROMATOSIS, TYPE I, SOMATIC; Peripheral type neurofibromatosis. Identifiers: Orphanet 636, MedGen C0027831, MONDO:0018975, OMIM 162200. Disease mechanism: loss of function.

Submission:

Labcorp Genetics (formerly Invitae), Labcorp
Classification: Pathogenic for Neurofibromatosis, type 1. Last evaluated: 2021-11-07. Review status: criteria provided, single submitter. Criteria: Invitae Variant Classification Sherloc (09022015). Collection method: clinical testing. Allele origin: germline.
Comment: For these reasons, this variant has been classified as Pathogenic. This variant has not been reported in the literature in individuals affected with NF1-related conditions. This variant is not present in population databases (gnomAD no frequency). This sequence change creates a premature translational stop signal (p.Glu291*) in the NF1 gene. It is expected to result in an absent or disrupted protein product. Loss-of-function variants in NF1 are known to be pathogenic (PMID: 10712197, 23913538).

Literature cited by the submitters: PubMed 10712197; PubMed 23913538.

NM_001042492.3(NF1):c.871G>T (p.Glu291Ter)

Gene: NF1 (neurofibromin 1; plus strand). Cytogenetic location: 17q11.2.
Variant type: single nucleotide variant.
Coding change: c.871G>T on transcript NM_001042492.3 (MANE Select); coding-DNA position 871, G replaced by T.
Protein change: p.Glu291Ter; replaces glutamic acid 291 with a stop codon.
Molecular consequence: nonsense.
Genome position (GRCh38, 1-based): chr17:31,182,648, G>T. VCF-style: chr17-31182648-G-T. GRCh37 (hg19) VCF-style: chr17-29509666-G-T.
Other names: c.871G>T, p.Glu291Ter (NM_001128147.3, NM_000267.4); short protein forms E291*.
Identifiers: ClinVar variation 1455482 (VCV001455482.6), dbSNP rs2143786875, ClinGen allele CA398991223.